The following is an entry in ClinVar:

ClinVar aggregate classification (germline): Uncertain significance (1 of 4 stars; one submission).

Conditions:
CACNA1C-related disorder. Also called: CACNA1C-related condition; CACNA1C-related disorders. Identifiers: MedGen CN381092, MONDO:0700321.

gnomAD v4.1: 1 of 1,612,808 alleles (0.000062%); highest among the groups gnomAD compares: Non-Finnish European, 0.000085%; no homozygotes.

Submission:

PreventionGenetics, part of Exact Sciences
Classification: Uncertain significance for CACNA1C-related condition. Last evaluated: 2026-09-11. Review status: criteria provided, single submitter. Criteria: ACMG Guidelines, 2015. Collection method: clinical testing. Allele origin: germline.
Comment: The CACNA1C c.4966C>G variant is predicted to result in the amino acid substitution p.Arg1656Gly. To our knowledge, this variant has not been reported in the literature. This variant is reported in 0.00090% of alleles in individuals of European (Non-Finnish) descent in gnomAD. At this time, the clinical significance of this variant is uncertain due to the absence of conclusive functional and genetic evidence.

NM_000719.7(CACNA1C):c.4966C>G (p.Arg1656Gly)

Genes: CACNA1C (calcium voltage-gated channel subunit alpha1 C; plus strand), CACNA1C-AS1 (CACNA1C antisense RNA 1; minus strand). Cytogenetic location: 12p13.33.
Variant type: single nucleotide variant.
Coding change: c.4966C>G on transcript NM_000719.7 (MANE Select); coding-DNA position 4966, C replaced by G.
Protein change: p.Arg1656Gly; replaces arginine 1656 with glycine.
Molecular consequence: missense variant. On other transcripts: non-coding transcript variant (1).
Genome position (GRCh38, 1-based): chr12:2,677,742, C>G. VCF-style: chr12-2677742-C-G. GRCh37 (hg19) VCF-style: chr12-2786908-C-G.
Other names: c.5110C>G, p.Arg1704Gly (NM_001129827.2, NM_199460.4); c.5089C>G, p.Arg1697Gly (NM_001129829.2); c.4966C>G, p.Arg1656Gly (NM_001129830.3, NM_001129840.2, NM_001129841.2 and 4 more transcripts); c.5050C>G, p.Arg1684Gly (NM_001129831.2); c.5026C>G, p.Arg1676Gly (NM_001129832.2); c.5023C>G, p.Arg1675Gly (NM_001129833.2, NM_001129834.2, NM_001129835.2); c.5017C>G, p.Arg1673Gly (NM_001129836.2); c.4990C>G, p.Arg1664Gly (NM_001129837.2, NM_001129838.2); and 3 more; short protein forms R1662G, R1676G, R1697G, R1653G, R1673G, R1704G, R1656G, R1664G.
Identifiers: ClinVar variation 4992800 (VCV004992800.1).